The following is an entry in ClinVar:

NM_016247.4(IMPG2):c.1241ATA[1] (p.Asn415del)

Gene: IMPG2 (interphotoreceptor matrix proteoglycan 2; minus strand). Cytogenetic location: 3q12.3.
Variant type: Microsatellite.
Coding change: c.1241ATA[1] on transcript NM_016247.4 (MANE Select); one copy of the 3-base unit ATA starting at c.1241; the reference has two copies in a row; one copy, 3 bases deleted; also written c.1244_1246del.
Protein change: p.Asn415del; deletes asparagine 415.
Molecular consequence: inframe deletion.
Genome position (GRCh38, 1-based): chr3:101,246,099-101,246,101, TAT deleted on the plus strand (ATA on the coding strand, the reverse complement: IMPG2 is on the minus strand); deleting any 3 consecutive bases within chr3:101,246,099-101,246,104 gives the same sequence; the position shown is the placement nearest the transcript's 3' end. VCF-style (leftmost placement, unchanged base first): chr3-101246098-GTAT-G. GRCh37 (hg19) VCF-style: chr3-100964942-GTAT-G.
Other names: c.1244_1246del (NM_016247.4); short protein forms N415del.
Identifiers: ClinVar variation 856363 (VCV000856363.12), dbSNP rs1706474724, ClinGen allele CA916082589.
Genomic context (GRCh38, chr3:101,246,098, plus strand): 5'-TCAAGTGGTGGAATACTGCTGGTGATGGATTCATCTGCTGAGGGCCATGCAGCTTGAAAG[GTAT>G]TATCCTGGGGGGAAAAAAAGGCTAAATCATATCATAGATAAAAGAAACATATAAAAAGTG-3'

ClinVar aggregate classification (germline): Uncertain significance. Review status: criteria provided, single submitter (1 of 4 stars). 2 submissions from 2 submitters: Uncertain significance (1). 1 of the submissions does not count toward it. Last evaluated 2022-02-05.

Conditions:
Retinal dystrophy. Also called: Inherited retinal dystrophy. Identifiers: Orphanet 71862, MedGen C0854723, MeSH D058499, MONDO:0019118, HP:0000556.

Submissions (2):

Labcorp Genetics (formerly Invitae), Labcorp
Classification: Uncertain significance. Last evaluated: 2022-02-05. Review status: criteria provided, single submitter. Criteria: Invitae Variant Classification Sherloc (09022015). Collection method: clinical testing. Allele origin: germline.
Comment: In summary, the available evidence is currently insufficient to determine the role of this variant in disease. Therefore, it has been classified as a Variant of Uncertain Significance. Experimental studies and prediction algorithms are not available or were not evaluated, and the functional significance of this variant is currently unknown. ClinVar contains an entry for this variant (Variation ID: 856363). This variant has not been reported in the literature in individuals affected with IMPG2-related conditions. This variant is not present in population databases (gnomAD no frequency). This variant, c.1244_1246del, results in the deletion of 1 amino acid(s) of the IMPG2 protein (p.Asn415del), but otherwise preserves the integrity of the reading frame.

Institute of Human Genetics, Univ. Regensburg, Univ. Regensburg
Classification: Uncertain significance for Retinal dystrophy. Last evaluated: 2023-01-01. Review status: no assertion criteria provided. Criteria: ACMG Guidelines, 2015. Collection method: clinical testing. Allele origin: germline. Affected: yes. Not counted in ClinVar's aggregate classification.